The following is an entry in ClinVar:

ClinVar aggregate classification (germline): Benign/Likely benign. Review status: criteria provided, multiple submitters, no conflicts (2 of 4 stars). 7 submissions from 7 submitters: Benign (2); Likely benign (4). 1 of the submissions does not count toward it. Last evaluated 2026-04-16.

Conditions:
DICER1-related disorder. Also called: DICER1-related condition.
DICER1-related tumor predisposition. Also called: DICER1 syndrome; DICER1-related pleuropulmonary blastoma cancer predisposition syndrome. Identifiers: Orphanet 284343, MedGen C3839822, MONDO:0100216.
Hereditary cancer-predisposing syndrome. Also called: Tumor predisposition; Hereditary neoplastic syndrome; Hereditary Cancer Syndrome; Neoplastic Syndromes, Hereditary. Identifiers: Orphanet 140162, MedGen C0027672, MeSH D009386, MONDO:0015356.

Allele frequency attached by ClinVar (database versions not stated): gnomAD exomes 0.00003 and 0.00004; ExAC 0.00005; gnomAD 0.00005; TOPMed 0.00006; 1000 Genomes Project 30x 0.00016; 1000 Genomes Project 0.00020.
gnomAD v4.1: 52 of 1,614,062 alleles (0.0032%); highest among the groups gnomAD compares: Middle Eastern, 0.033%; no homozygotes.

Submissions (7):

Myriad Genetics, Inc.
Classification: Benign for DICER1-related tumor predisposition. Last evaluated: 2026-04-16. Review status: criteria provided, single submitter. Criteria: Myriad Autosomal Dominant, Autosomal Recessive and X-Linked Classification Criteria (2023). Collection method: clinical testing. Allele origin: unknown.
Comment: This variant is considered benign. This variant is a silent/synonymous amino acid change and it is not expected to impact splicing.

Labcorp Genetics (formerly Invitae), Labcorp
Classification: Benign for DICER1-related tumor predisposition. Last evaluated: 2026-01-20. Review status: criteria provided, single submitter. Criteria: Invitae Variant Classification Sherloc (09022015). Collection method: clinical testing. Allele origin: germline.

CeGaT Center for Human Genetics Tuebingen
Classification: Likely benign. Last evaluated: 2024-12-01. Review status: criteria provided, single submitter. Criteria: CeGaT Center For Human Genetics Tuebingen Variant Classification Criteria Version 2. Collection method: clinical testing. Allele origin: germline. Affected: yes. Observed: 3 variant alleles.
Comment: DICER1: BP4, BP7

Quest Diagnostics Nichols Institute San Juan Capistrano
Classification: Likely benign. Last evaluated: 2023-03-23. Review status: criteria provided, single submitter. Criteria: Quest Diagnostics criteria. Collection method: clinical testing. Allele origin: unknown.

GeneDx
Classification: Likely benign. Last evaluated: 2018-04-20. Review status: criteria provided, single submitter. Criteria: GeneDx Variant Classification (06012015). Collection method: clinical testing. Allele origin: germline. Affected: yes.
Comment: This variant is considered likely benign or benign based on one or more of the following criteria: it is a conservative change, it occurs at a poorly conserved position in the protein, it is predicted to be benign by multiple in silico algorithms, and/or has population frequency not consistent with disease.

Ambry Genetics
Classification: Likely benign for Hereditary cancer-predisposing syndrome. Last evaluated: 2017-10-26. Review status: criteria provided, single submitter. Criteria: Ambry Variant Classification Scheme 2023. Collection method: clinical testing. Allele origin: germline.

PreventionGenetics, part of Exact Sciences
Classification: Likely benign for DICER1-related condition. Last evaluated: 2019-10-28. Review status: no assertion criteria provided. Collection method: clinical testing. Allele origin: germline. Not counted in ClinVar's aggregate classification.
Comment: This variant is classified as likely benign based on ACMG/AMP sequence variant interpretation guidelines (Richards et al. 2015 PMID: 25741868, with internal and published modifications).

NM_177438.3(DICER1):c.1827C>T (p.Asp609=)

Gene: DICER1 (dicer 1, ribonuclease III; minus strand). Cytogenetic location: 14q32.13.
Variant type: single nucleotide variant.
Coding change: c.1827C>T on transcript NM_177438.3 (MANE Select); coding-DNA position 1827, C replaced by T.
Protein change: p.Asp609=; no amino-acid change (aspartic acid 609 retained).
Molecular consequence: synonymous variant.
Genome position (GRCh38, 1-based): chr14:95,115,747, G>A on the plus strand (C>T on the coding strand, the complement: DICER1 is on the minus strand). VCF-style: chr14-95115747-G-A. GRCh37 (hg19) VCF-style: chr14-95582084-G-A.
Other names: c.1827C>T, p.Asp609= (NM_001195573.1, NM_001271282.3, NM_001291628.2 and 1 more transcripts).
Identifiers: ClinVar variation 417130 (VCV000417130.44), dbSNP rs150087634, ClinGen allele CA7331390.